The following is an entry in ClinVar:

NM_000094.4(COL7A1):c.6127G>C (p.Gly2043Arg)

Gene: COL7A1 (collagen type VII alpha 1 chain; minus strand). Cytogenetic location: 3p21.31.
Variant type: single nucleotide variant.
Coding change: c.6127G>C on transcript NM_000094.4 (MANE Select); coding-DNA position 6127, G replaced by C.
Protein change: p.Gly2043Arg; replaces glycine 2043 with arginine.
Molecular consequence: missense variant.
Genome position (GRCh38, 1-based): chr3:48,575,392, C>G on the plus strand (G>C on the coding strand, the complement: COL7A1 is on the minus strand). VCF-style: chr3-48575392-C-G. GRCh37 (hg19) VCF-style: chr3-48612825-C-G.
Other names: c.6127G>C (NM_000094.3); short protein forms G2043R.
Identifiers: ClinVar variation 1458605 (VCV001458605.7), dbSNP rs121912836, ClinGen allele CA352663071.

ClinVar aggregate classification (germline): Pathogenic. Review status: criteria provided, multiple submitters, no conflicts (2 of 4 stars). 2 submissions from 2 submitters: Pathogenic (2). Last evaluated 2025-07-11.

Conditions:
Epidermolysis bullosa dystrophica. Also called: Dystrophic epidermolysis bullosa, Hallopeau-Siemens type (formerly); Dystrophic epidermolysis bullosa. Identifiers: Orphanet 303, MedGen C0079294, MONDO:0006543.

Submissions (2):

Natera, Inc.
Classification: Pathogenic for Dystrophic epidermolysis bullosa. Last evaluated: 2025-07-11. Review status: criteria provided, single submitter. Criteria: Natera Variant Classification Schema (03/2026). Collection method: clinical testing. Allele origin: germline.
Comment: The c.6127G>C variant in COL7A1 is a missense variant predicted to cause substitution of glycine to arginine at amino acid 2043. This variant is rare in the general population with a frequency below the threshold expected for the associated phenotype(s). This variant has been observed in affected individual(s) with monoallelic occurrence (heterozygous/hemizygous) (PMID: 26707537). This variant has been identified in one or more affected individual with a phenotype highly consistent with the associated gene (PMID: 26707537, 20598510). This variant is located in a functionally critical region of the protein. Another variant at this same site results in an alteration predicted to cause a similar molecular effect has been observed in individual(s) with the associated phenotype. Computational prediction algorithms indicate this variant is likely to affect gene or protein function. Given the available evidence, this variant is classified as Pathogenic.

Labcorp Genetics (formerly Invitae), Labcorp
Classification: Pathogenic. Last evaluated: 2022-05-03. Review status: criteria provided, single submitter. Criteria: Invitae Variant Classification Sherloc (09022015). Collection method: clinical testing. Allele origin: germline.
Comment: For these reasons, this variant has been classified as Pathogenic. This variant disrupts the triple helix domain of COL7A1. Glycine residues within the Gly-Xaa-Yaa repeats of the triple helix domain are required for the structure and stability of fibrillar collagens (PMID: 7695699, 8218237, 19344236), and variants at these glycine residues in COL7A1 are more frequently observed in individuals with disease than in the general population (PMID: 22058051). However, the clinical significance of this observation remains uncertain since only a limited number of affected individuals have been described to date. Advanced modeling of protein sequence and biophysical properties (such as structural, functional, and spatial information, amino acid conservation, physicochemical variation, residue mobility, and thermodynamic stability) performed at Invitae indicates that this missense variant is expected to disrupt COL7A1 protein function. This missense change has been observed in individual(s) with autosomal dominant dystrophic epidermolysis bullosa (PMID: 10084325, 10504458, 11260189, 17425959). In at least one individual the variant was observed to be de novo. This variant is not present in population databases (gnomAD no frequency). This sequence change replaces glycine, which is neutral and non-polar, with arginine, which is basic and polar, at codon 2043 of the COL7A1 protein (p.Gly2043Arg).

Literature cited by the submitters: PubMed 26707537 (cited by Natera, Inc.); PubMed 20598510 (cited by Natera, Inc.); PubMed 7695699 (cited by Labcorp Genetics (formerly Invitae), Labcorp); PubMed 8218237 (cited by Labcorp Genetics (formerly Invitae), Labcorp); PubMed 19344236 (cited by Labcorp Genetics (formerly Invitae), Labcorp); PubMed 22058051 (cited by Labcorp Genetics (formerly Invitae), Labcorp); PubMed 10084325 (cited by Labcorp Genetics (formerly Invitae), Labcorp); PubMed 10504458 (cited by Labcorp Genetics (formerly Invitae), Labcorp); PubMed 11260189 (cited by Labcorp Genetics (formerly Invitae), Labcorp); PubMed 17425959 (cited by Labcorp Genetics (formerly Invitae), Labcorp).